The following is an entry in ClinVar:

ClinVar aggregate classification (germline): Uncertain significance (1 of 4 stars; one submission).

Conditions:
Inflammatory bowel disease 25. Also called: Inflammatory bowel disease 25, early onset, autosomal recessive. Identifiers: Orphanet 238569, MedGen C2675508, MONDO:0012941, OMIM 612567.

Allele frequency attached by ClinVar (database versions not stated): gnomAD exomes below 0.00001 and 0.00001; ExAC 0.00001; gnomAD 0.00001; TOPMed 0.00002.
gnomAD v4.1: 4 of 1,614,042 alleles (0.00025%); highest among the groups gnomAD compares: Admixed American, 0.0067%; no homozygotes.

Submission:

Labcorp Genetics (formerly Invitae), Labcorp
Classification: Uncertain significance for Inflammatory bowel disease 25. Last evaluated: 2022-07-19. Review status: criteria provided, single submitter. Criteria: Invitae Variant Classification Sherloc (09022015). Collection method: clinical testing. Allele origin: germline.
Comment: This sequence change replaces glutamic acid, which is acidic and polar, with glycine, which is neutral and non-polar, at codon 41 of the IL10RB protein (p.Glu41Gly). In summary, the available evidence is currently insufficient to determine the role of this variant in disease. Therefore, it has been classified as a Variant of Uncertain Significance. Algorithms developed to predict the effect of sequence changes on RNA splicing suggest that this variant may disrupt the consensus splice site. Algorithms developed to predict the effect of missense changes on protein structure and function are either unavailable or do not agree on the potential impact of this missense change (SIFT: "Deleterious"; PolyPhen-2: "Benign"; Align-GVGD: "Class C0"). ClinVar contains an entry for this variant (Variation ID: 1417875). This variant has not been reported in the literature in individuals affected with IL10RB-related conditions. This variant is present in population databases (rs753650110, gnomAD 0.006%).

NM_000628.5(IL10RB):c.122A>G (p.Glu41Gly)

Genes: IFNAR2-IL10RB (IFNAR2-IL10RB readthrough; plus strand), IL10RB (interleukin 10 receptor subunit beta; plus strand). Cytogenetic location: 21q22.11.
Variant type: single nucleotide variant.
Coding change: c.122A>G on transcript NM_000628.5 (MANE Select); coding-DNA position 122, A replaced by G.
Protein change: p.Glu41Gly; replaces glutamic acid 41 with glycine.
Molecular consequence: missense variant.
Genome position (GRCh38, 1-based): chr21:33,268,466, A>G. VCF-style: chr21-33268466-A-G. GRCh37 (hg19) VCF-style: chr21-34640771-A-G.
Other names: short protein forms E41G.
Identifiers: ClinVar variation 1417875 (VCV001417875.8), dbSNP rs753650110, ClinGen allele CA10006070.